The following is an entry in ClinVar:

NR_003255.2(TSIX):n.31759T>C

Genes: TSIX (TSIX transcript, XIST antisense RNA; plus strand), XIST (X inactive specific transcript; minus strand). Cytogenetic location: Xq13.2.
Variant type: single nucleotide variant.
Molecular consequence: non-coding transcript variant (on NR_003255.2).
Genome position: GRCh38 VCF-style: chrX-73823963-T-C. GRCh37 (hg19) VCF-style: chrX-73043798-T-C.
Identifiers: ClinVar variation 3049478 (VCV003049478.2), dbSNP rs141214761, ClinGen allele CA10452069.

ClinVar aggregate classification (germline): Benign (0 of 4 stars; one submission).

Conditions:
TSIX-related disorder. Also called: TSIX-related condition.

Allele frequency attached by ClinVar (database versions not stated): gnomAD exomes 0.00134; ExAC 0.00320; gnomAD 0.00869; TOPMed 0.00934; 1000 Genomes Project 0.00980; 1000 Genomes Project 30x 0.01061; ESP Exome Variant Server 0.01128.
gnomAD v4.1: 1,579 of 551,269 alleles (0.29%); highest among the groups gnomAD compares: African/African-American, 3%; 20 homozygotes.

Submission:

PreventionGenetics, part of Exact Sciences
Classification: Benign for TSIX-related condition. Last evaluated: 2019-08-09. Review status: no assertion criteria provided. Collection method: clinical testing. Allele origin: germline.
Comment: This variant is classified as benign based on ACMG/AMP sequence variant interpretation guidelines (Richards et al. 2015 PMID: 25741868, with internal and published modifications).